The following is an entry in ClinVar:

ClinVar aggregate classification (germline): Uncertain significance (1 of 4 stars; one submission).

Submission:

Labcorp Genetics (formerly Invitae), Labcorp
Classification: Uncertain significance. Last evaluated: 2023-11-27. Review status: criteria provided, single submitter. Criteria: Invitae Variant Classification Sherloc (09022015). Collection method: clinical testing. Allele origin: germline.
Comment: This sequence change replaces methionine, which is neutral and non-polar, with leucine, which is neutral and non-polar, at codon 192 of the TRRAP protein (p.Met192Leu). This variant is not present in population databases (gnomAD no frequency). This variant has not been reported in the literature in individuals affected with TRRAP-related conditions. Advanced modeling of protein sequence and biophysical properties (such as structural, functional, and spatial information, amino acid conservation, physicochemical variation, residue mobility, and thermodynamic stability) performed at Invitae indicates that this missense variant is not expected to disrupt TRRAP protein function with a negative predictive value of 80%. In summary, the available evidence is currently insufficient to determine the role of this variant in disease. Therefore, it has been classified as a Variant of Uncertain Significance.

NM_001375524.1(TRRAP):c.574A>T (p.Met192Leu)

Gene: TRRAP (transformation/transcription domain associated protein; plus strand). Cytogenetic location: 7q22.1.
Variant type: single nucleotide variant.
Coding change: c.574A>T on transcript NM_001375524.1 (MANE Select); coding-DNA position 574, A replaced by T.
Protein change: p.Met192Leu; replaces methionine 192 with leucine.
Molecular consequence: missense variant.
Genome position (GRCh38, 1-based): chr7:98,897,807, A>T. VCF-style: chr7-98897807-A-T. GRCh37 (hg19) VCF-style: chr7-98495430-A-T.
Other names: c.574A>T, p.Met192Leu (NM_001244580.2, NM_003496.4); short protein forms M192L.
Identifiers: ClinVar variation 2795779 (VCV002795779.3), dbSNP rs2484674449, ClinGen allele CA368279579.